The following is an entry in ClinVar:

NM_003896.4(ST3GAL5):c.319-2A>G

Gene: ST3GAL5 (ST3 beta-galactoside alpha-2,3-sialyltransferase 5; minus strand). Cytogenetic location: 2p11.2.
Variant type: single nucleotide variant.
Coding change: c.319-2A>G on transcript NM_003896.4 (MANE Select); the canonical splice acceptor site of the intron before coding-DNA position 319, A replaced by G.
Molecular consequence: splice acceptor variant. On other transcripts: 5 prime UTR variant (4).
Genome position (GRCh38, 1-based): chr2:85,848,206, T>C on the plus strand (A>G on the coding strand, the complement: ST3GAL5 is on the minus strand). VCF-style: chr2-85848206-T-C. GRCh37 (hg19) VCF-style: chr2-86075329-T-C.
Other names: c.-68A>G (NM_001354223.2, NM_001354226.2, NM_001354233.2); c.-588A>G (NM_001354247.1); c.-66-2A>G (NM_001354224.2, NM_001354234.1, NM_001354248.1); c.235-2A>G (NM_001354227.2, NM_001354229.2, NM_001354238.1); c.250-2A>G (NM_001042437.2); c.319-2A>G (NM_001363847.1).
Identifiers: ClinVar variation 4849913 (VCV004849913.1).

ClinVar aggregate classification (germline): Pathogenic (1 of 4 stars; one submission).

Conditions:
GM3 synthase deficiency (SPDRS). Also called: SALT AND PEPPER DEVELOPMENTAL REGRESSION SYNDROME; SALT AND PEPPER MENTAL RETARDATION SYNDROME; AMISH INFANTILE EPILEPSY SYNDROME. Identifiers: Orphanet 171714, Orphanet 370933, MedGen C1836824, MONDO:0018274, OMIM 609056.

Submission:

Institute of Human Genetics, Cologne University
Classification: Pathogenic for GM3 synthase deficiency. Last evaluated: 2026-02-09. Review status: criteria provided, single submitter. Criteria: ACMG Guidelines, 2015. Collection method: clinical testing. Allele origin: maternal. Affected: yes.
Comment: salt and pepper like lesions on dorsal feet (PP4_moderate), compound-heterozygous with the likely pathogenic variant c.319-6T>G